The following is an entry in ClinVar:

ClinVar aggregate classification (germline): Likely benign. Review status: criteria provided, multiple submitters, no conflicts (2 of 4 stars). 2 submissions from 2 submitters: Likely benign (2). Last evaluated 2026-02-01.

gnomAD v4.1: 8 of 1,610,100 alleles (0.0005%); highest among the groups gnomAD compares: Non-Finnish European, 0.00068%; no homozygotes.

Submissions (2):

CeGaT Center for Human Genetics Tuebingen
Classification: Likely benign. Last evaluated: 2026-02-01. Review status: criteria provided, single submitter. Criteria: CeGaT Center For Human Genetics Tuebingen Variant Classification Criteria Version 2. Collection method: clinical testing. Allele origin: germline. Affected: yes. Observed: 1 variant allele.
Comment: POLR3A: BP4, BP7

Blueprint Genetics
Classification: Likely benign. Last evaluated: 2022-01-18. Review status: criteria provided, single submitter. Criteria: ACMG Guidelines, 2015. Collection method: clinical testing. Allele origin: germline.

NM_007055.4(POLR3A):c.1278G>T (p.Thr426=)

Gene: POLR3A (RNA polymerase III subunit A; minus strand). Cytogenetic location: 10q22.3.
Variant type: single nucleotide variant.
Coding change: c.1278G>T on transcript NM_007055.4 (MANE Select); coding-DNA position 1278, G replaced by T.
Protein change: p.Thr426=; no amino-acid change (threonine 426 retained).
Molecular consequence: synonymous variant.
Genome position (GRCh38, 1-based): chr10:78,019,173, C>A on the plus strand (G>T on the coding strand, the complement: POLR3A is on the minus strand). VCF-style: chr10-78019173-C-A. GRCh37 (hg19) VCF-style: chr10-79778931-C-A.
Identifiers: ClinVar variation 4821909 (VCV004821909.5).